The following is an entry in ClinVar:

ClinVar aggregate classification (germline): Pathogenic. Review status: criteria provided, multiple submitters, no conflicts (2 of 4 stars). 3 submissions from 3 submitters: Pathogenic (2). 1 of the submissions does not count toward it. Last evaluated 2024-07-05.

Conditions:
Inborn genetic diseases. Identifiers: MedGen C0950123, MeSH D030342.
Severe intellectual disability-poor language-strabismus-grimacing face-long fingers syndrome (GAND). Also called: GAND SYNDROME. Identifiers: Orphanet 363686, MedGen C3554448, MONDO:0014034, OMIM 615074.

Submissions (3):

GeneDx
Classification: Pathogenic. Last evaluated: 2024-07-05. Review status: criteria provided, single submitter. Criteria: GeneDx Variant Classification Process June 2021. Collection method: clinical testing. Allele origin: germline. Affected: yes.
Comment: Nonsense variant predicted to result in protein truncation or nonsense mediated decay in a gene for which loss of function is a known mechanism of disease; Not observed at significant frequency in large population cohorts (gnomAD); This variant is associated with the following publications: (PMID: 28191890, 35982159, 23644463, 23033978, 34470925, 30482549, 24896178)

Ambry Genetics
Classification: Pathogenic for Inborn genetic diseases. Last evaluated: 2020-01-03. Review status: criteria provided, single submitter. Criteria: Ambry Variant Classification Scheme 2023. Collection method: clinical testing. Allele origin: germline.
Comment: The alteration results in a premature stop codon: _x000D_ _x000D_ The c.1408C>T (p.Q470*) alteration, located in exon 8 (coding exon 7) of the GATAD2B gene, results from a C to T substitution at nucleotide position 1408. This changes the amino acid from a glutamine (Q) to a stop codon at amino acid position 470. This alteration is expected to result in loss of function by premature protein truncation or nonsense-mediated mRNA decay. The alteration is not observed in population databases: _x000D_ _x000D_ Based on data from the Genome Aggregation Database (gnomAD), the GATAD2B c.1408C>T alteration was not observed, with coverage at this position. The alteration has been observed in affected individuals:_x000D_ _x000D_ This alteration was previously detected de novo in two unrelated patients with intellectual disability (de Ligt, 2012; Kosmicki, 2017). Based on the available evidence, this alteration is classified as pathogenic.

OMIM
Classification: Pathogenic for GAND SYNDROME. Last evaluated: 2012-11-15. Review status: no assertion criteria provided. Collection method: literature only. Allele origin: germline. Not counted in ClinVar's aggregate classification.

Literature cited by the submitters: PubMed 23033978 (cited by Ambry Genetics and OMIM); PubMed 28191890 (cited by Ambry Genetics).

NM_020699.4(GATAD2B):c.1408C>T (p.Gln470Ter)

Gene: GATAD2B (GATA zinc finger domain containing 2B; minus strand). Cytogenetic location: 1q21.3.
Variant type: single nucleotide variant.
Coding change: c.1408C>T on transcript NM_020699.4 (MANE Select); coding-DNA position 1408, C replaced by T.
Protein change: p.Gln470Ter; replaces glutamine 470 with a stop codon.
Molecular consequence: nonsense.
Genome position (GRCh38, 1-based): chr1:153,813,261, G>A on the plus strand (C>T on the coding strand, the complement: GATAD2B is on the minus strand). VCF-style: chr1-153813261-G-A. GRCh37 (hg19) VCF-style: chr1-153785737-G-A.
Other names: short protein forms Q470*.
Identifiers: ClinVar variation 39665 (VCV000039665.8), dbSNP rs587776931, ClinGen allele CA130443.
Genomic context (GRCh38, chr1:153,813,261, plus strand): 5'-GGAAAAAACAAACTGGGACAGGTGGCCAGTGAGCAGTCAGAATTCTTACCTGTTCCTGCT[G>A]TAGGGCTTTCACAAATGCATTTTTCAGCCGGTTGGTGTGTTCAGCTTTTAGAGCCTTTTT-3'